The following is an entry in ClinVar:

ClinVar aggregate classification (germline): Uncertain significance. Review status: criteria provided, multiple submitters, no conflicts (2 of 4 stars). 3 submissions from 3 submitters: Uncertain significance (3). Last evaluated 2024-12-02.

Conditions:
Nephronophthisis. Also called: Juvenile Nephronophthisis. Identifiers: Orphanet 655, MedGen C0687120, MONDO:0019005, HP:0000090.
Nephronophthisis 1 (NPHP1). Also called: Nephronophthisis familial juvenile. Identifiers: Orphanet 655, Orphanet 93592, MedGen C1855681, MONDO:0009728, OMIM 256100.
Joubert syndrome with renal defect. Also called: JOUBERT SYNDROME 4. Identifiers: Orphanet 220497, MedGen C1846790, MONDO:0012308, OMIM 609583.
Senior-Loken syndrome 1 (SLSN1). Also called: JUVENILE NEPHRONOPHTHISIS WITH LEBER AMAUROSIS. Identifiers: Orphanet 3156, MedGen C4551559, MONDO:0009962, OMIM 266900.
NPHP1-related disorder. Also called: NPHP1-related condition; NPHP1-related disorders.

Allele frequency attached by ClinVar (database versions not stated): gnomAD exomes below 0.00001 and 0.00001.
gnomAD v4.1: 10 of 1,610,348 alleles (0.00062%); highest among the groups gnomAD compares: Non-Finnish European, 0.00076%; no homozygotes.

Submissions (3):

PreventionGenetics, part of Exact Sciences
Classification: Uncertain significance for NPHP1-related condition. Last evaluated: 2024-12-02. Review status: criteria provided, single submitter. Criteria: ACMG Guidelines, 2015. Collection method: clinical testing. Allele origin: germline.
Comment: The NPHP1 c.1727T>C variant is predicted to result in the amino acid substitution p.Met576Thr. To our knowledge, this variant has not been reported in the literature. This variant is reported in 0.00088% of alleles in individuals of European (Non-Finnish) descent in gnomAD. At this time, the clinical significance of this variant is uncertain due to the absence of conclusive functional and genetic evidence.

Fulgent Genetics
Classification: Uncertain significance for Nephronophthisis 1; Senior-Loken syndrome 1; Joubert syndrome with renal defect. Last evaluated: 2024-01-23. Review status: criteria provided, single submitter. Criteria: ACMG Guidelines, 2015. Collection method: clinical testing. Allele origin: germline.

Labcorp Genetics (formerly Invitae), Labcorp
Classification: Uncertain significance for Nephronophthisis. Last evaluated: 2022-07-12. Review status: criteria provided, single submitter. Criteria: Invitae Variant Classification Sherloc (09022015). Collection method: clinical testing. Allele origin: germline.
Comment: This variant is present in population databases (no rsID available, gnomAD 0.0009%). In summary, the available evidence is currently insufficient to determine the role of this variant in disease. Therefore, it has been classified as a Variant of Uncertain Significance. Algorithms developed to predict the effect of missense changes on protein structure and function (SIFT, PolyPhen-2, Align-GVGD) all suggest that this variant is likely to be tolerated. ClinVar contains an entry for this variant (Variation ID: 1485250). This variant has not been reported in the literature in individuals affected with NPHP1-related conditions. This sequence change replaces methionine, which is neutral and non-polar, with threonine, which is neutral and polar, at codon 576 of the NPHP1 protein (p.Met576Thr).

NM_001128178.3(NPHP1):c.1559T>C (p.Met520Thr)

Gene: NPHP1 (nephrocystin 1; minus strand). Cytogenetic location: 2q13.
Variant type: single nucleotide variant.
Coding change: c.1559T>C on transcript NM_001128178.3 (MANE Select); coding-DNA position 1559, T replaced by C.
Protein change: p.Met520Thr; replaces methionine 520 with threonine.
Molecular consequence: missense variant.
Genome position (GRCh38, 1-based): chr2:110,131,762, A>G on the plus strand (T>C on the coding strand, the complement: NPHP1 is on the minus strand). VCF-style: chr2-110131762-A-G. GRCh37 (hg19) VCF-style: chr2-110889339-A-G.
Other names: c.1727T>C, p.Met576Thr (NM_000272.5); c.1370T>C, p.Met457Thr (NM_001128179.3); c.1556T>C, p.Met519Thr (NM_001374256.1); c.1559T>C, p.Met520Thr (NM_001374257.1); c.1724T>C, p.Met575Thr (NM_207181.4); c.1727T>C (NM_000272.3, NM_000272.4); short protein forms M519T, M575T, M457T, M576T, M520T.
Identifiers: ClinVar variation 1485250 (VCV001485250.10), dbSNP rs1318488822, ClinGen allele CA348087121.
Genomic context (GRCh38, chr2:110,131,762, plus strand): 5'-TCTTTCAGGAGCACATCTCCAAGAATTTGTCGATAAAATATCAACAAGTGAATAGAACAC[A>G]TATTTCCAATTAATGTTTCTGGCAGTAGACTATTAAAGAAGAAAAAAATGTATTCATTAG-3'
Protein context (NP_001121650.1, residues 510-530): SLLPETLIGN[Met520Thr]CSIHLLIFYR